The following is an entry in ClinVar:

NM_153700.2(STRC):c.880G>A (p.Val294Ile)

Gene: STRC (stereocilin; minus strand). Cytogenetic location: 15q15.3.
Variant type: single nucleotide variant.
Coding change: c.880G>A on transcript NM_153700.2 (MANE Select); coding-DNA position 880, G replaced by A.
Protein change: p.Val294Ile; replaces valine 294 with isoleucine.
Molecular consequence: missense variant.
Genome position (GRCh38, 1-based): chr15:43,616,686, C>T on the plus strand (G>A on the coding strand, the complement: STRC is on the minus strand). VCF-style: chr15-43616686-C-T. GRCh37 (hg19) VCF-style: chr15-43908884-C-T.
Other names: short protein forms V294I.
Identifiers: ClinVar variation 165322 (VCV000165322.5), dbSNP rs727503451, ClinGen allele CA178066.

ClinVar aggregate classification (germline): Benign (1 of 4 stars; one submission).

Submission:

Laboratory for Molecular Medicine, Mass General Brigham Personalized Medicine
Classification: Benign. Last evaluated: 2013-10-05. Review status: criteria provided, single submitter. Criteria: LMM Criteria. Collection method: clinical testing. Allele origin: germline. Observed: 1 variant allele.
Comment: Val294Ile in Exon 04 of STRC: This variant is not expected to have clinical sign ificance due to a lack of conservation across species, including mammals. Of not e, several mammals have an isoleucine at this position despite high nearby amino acid conservation. In addition, computational analyses (PolyPhen2, SIFT, AlignG VGD) do not suggest a high likelihood of impact to the protein.